The following is an entry in ClinVar:

NM_176787.5(PIGN):c.1749G>A (p.Arg583=)

Gene: PIGN (phosphatidylinositol glycan anchor biosynthesis class N; minus strand). Cytogenetic location: 18q21.33.
Variant type: single nucleotide variant.
Coding change: c.1749G>A on transcript NM_176787.5 (MANE Select); coding-DNA position 1749, G replaced by A.
Protein change: p.Arg583=; no amino-acid change (arginine 583 retained).
Molecular consequence: synonymous variant.
Genome position (GRCh38, 1-based): chr18:62,106,807, C>T on the plus strand (G>A on the coding strand, the complement: PIGN is on the minus strand). VCF-style: chr18-62106807-C-T. GRCh37 (hg19) VCF-style: chr18-59774040-C-T.
Other names: c.1749G>A, p.Arg583= (NM_012327.6).
Identifiers: ClinVar variation 539557 (VCV000539557.40), dbSNP rs200401462, ClinGen allele CA8982188.

ClinVar aggregate classification (germline): Likely benign. Review status: criteria provided, multiple submitters, no conflicts (2 of 4 stars). 5 submissions from 5 submitters: Likely benign (5). Last evaluated 2026-01-24.

Conditions:
Inborn genetic diseases. Identifiers: MedGen C0950123, MeSH D030342.
PIGN-related disorder. Also called: PIGN-related condition.
Multiple congenital anomalies-hypotonia-seizures syndrome 1 (MCAHS1). Also called: PIGN-CDG; Congenital disorder of glycosylation due to PIGN deficiency; GLYCOSYLPHOSPHATIDYLINOSITOL BIOSYNTHESIS DEFECT 3. Identifiers: Orphanet 280633, MedGen C3279775, MONDO:0013563, OMIM 614080.

Allele frequency attached by ClinVar (database versions not stated): ExAC 0.00013; 1000 Genomes Project 30x 0.00016; 1000 Genomes Project 0.00020; gnomAD 0.00025; TOPMed 0.00036; ESP Exome Variant Server 0.00050.
gnomAD v4.1: 82 of 1,606,554 alleles (0.0051%); highest among the groups gnomAD compares: African/African-American, 0.088%; no homozygotes.

Submissions (5):

Labcorp Genetics (formerly Invitae), Labcorp
Classification: Likely benign for Multiple congenital anomalies-hypotonia-seizures syndrome 1. Last evaluated: 2026-01-24. Review status: criteria provided, single submitter. Criteria: Invitae Variant Classification Sherloc (09022015). Collection method: clinical testing. Allele origin: germline.

PreventionGenetics, part of Exact Sciences
Classification: Likely benign for PIGN-related condition. Last evaluated: 2025-02-18. Review status: criteria provided, single submitter. Criteria: ACMG Guidelines, 2015. Collection method: clinical testing. Allele origin: germline.
Comment: This variant is classified as likely benign based on ACMG/AMP sequence variant interpretation guidelines (Richards et al. 2015 PMID: 25741868, with internal and published modifications).

CeGaT Center for Human Genetics Tuebingen
Classification: Likely benign. Last evaluated: 2024-08-01. Review status: criteria provided, single submitter. Criteria: CeGaT Center For Human Genetics Tuebingen Variant Classification Criteria Version 2. Collection method: clinical testing. Allele origin: germline. Affected: yes. Observed: 2 variant alleles.
Comment: PIGN: BP4, BP7

GeneDx
Classification: Likely benign. Last evaluated: 2020-02-28. Review status: criteria provided, single submitter. Criteria: GeneDx Variant Classification Process June 2021. Collection method: clinical testing. Allele origin: germline. Affected: yes.

Ambry Genetics
Classification: Likely benign for Inborn genetic diseases. Last evaluated: 2017-06-22. Review status: criteria provided, single submitter. Criteria: Ambry Variant Classification Scheme 2023. Collection method: clinical testing. Allele origin: germline.